The following is an entry in ClinVar:

NM_001369.3(DNAH5):c.4625_4626insTCCAC (p.Arg1542fs)

Genes: DNAH5-AS1 (DNAH5 antisense RNA 1; plus strand), DNAH5 (dynein axonemal heavy chain 5; minus strand). Cytogenetic location: 5p15.2.
Variant type: Insertion.
Coding change: c.4625_4626insTCCAC on transcript NM_001369.3 (MANE Select); coding-DNA positions 4625 to 4626, TCCAC inserted.
Protein change: p.Arg1542fs; shifts the reading frame from arginine 1542.
Molecular consequence: frameshift variant.
Genome position: GRCh38 VCF-style: chr5-13862718-T-TGTGGA. GRCh37 (hg19) VCF-style: chr5-13862827-T-TGTGGA.
Other names: short protein forms R1542fs.
Identifiers: ClinVar variation 1726736 (VCV001726736.2), dbSNP rs2546974086, ClinGen allele CA2580072087.

ClinVar aggregate classification (germline): Likely pathogenic (1 of 4 stars; one submission).

Conditions:
Primary ciliary dyskinesia 3. Identifiers: Orphanet 244, MedGen C1837618, MONDO:0012085, OMIM 608644.

Submission:

Myriad Genetics, Inc.
Classification: Likely pathogenic for Primary ciliary dyskinesia 3. Last evaluated: 2021-12-31. Review status: criteria provided, single submitter. Criteria: Myriad Women's Health Autosomal Recessive and X-Linked Classification Criteria (2021). Collection method: clinical testing. Allele origin: unknown.
Comment: NM_001369.2(DNAH5):c.4625_4626ins5(R1542Sfs*9) is expected to be pathogenic in the context of DNAH5-related primary ciliary dyskinesia. This variant is predicted to lead to an abnormal or absent protein product due to the creation of a premature termination codon in DNAH5, a gene where loss-of-function variants are known to be pathogenic. Please note: this variant was assessed in the context of healthy population screening.